The following is an entry in ClinVar:

NM_000264.5(PTCH1):c.306G>C (p.Leu102Phe)

Gene: PTCH1 (patched 1; minus strand). Cytogenetic location: 9q22.32.
Variant type: single nucleotide variant.
Coding change: c.306G>C on transcript NM_000264.5 (MANE Select); coding-DNA position 306, G replaced by C.
Protein change: p.Leu102Phe; replaces leucine 102 with phenylalanine.
Molecular consequence: missense variant. On other transcripts: 5 prime UTR variant (4), non-coding transcript variant (1).
Genome position (GRCh38, 1-based): chr9:95,506,495, C>G on the plus strand (G>C on the coding strand, the complement: PTCH1 is on the minus strand). VCF-style: chr9-95506495-C-G. GRCh37 (hg19) VCF-style: chr9-98268777-C-G.
Other names: c.108G>C, p.Leu36Phe (NM_001083602.3, NM_001354919.2); c.303G>C, p.Leu101Phe (NM_001083603.3); c.-148G>C (NM_001083604.3, NM_001083605.3, NM_001083606.3 and 1 more transcripts); c.306G>C, p.Leu102Phe (NM_001354918.2); short protein forms L102F, L36F, L101F.
Identifiers: ClinVar variation 41658 (VCV000041658.6), dbSNP rs199522392, ClinGen allele CA215705.

ClinVar aggregate classification (germline): Uncertain significance. Review status: criteria provided, multiple submitters, no conflicts (2 of 4 stars). 4 submissions from 4 submitters: Uncertain significance (3). 1 of the submissions does not count toward it. Last evaluated 2025-03-09.

Conditions:
Hereditary cancer-predisposing syndrome. Also called: Tumor predisposition; Neoplastic Syndromes, Hereditary; Hereditary neoplastic syndrome; Hereditary Cancer Syndrome. Identifiers: Orphanet 140162, MedGen C0027672, MeSH D009386, MONDO:0015356.
Gorlin syndrome. Also called: Nevoid Basal Cell Carcinoma Syndrome; Basal cell nevus syndrome. Identifiers: Orphanet 377, MedGen C0004779, MONDO:0007187.

Allele frequency attached by ClinVar (database versions not stated): gnomAD exomes 0.00001.
gnomAD v4.1: 18 of 1,613,770 alleles (0.0011%); highest among the groups gnomAD compares: Non-Finnish European, 0.0014%; no homozygotes.

Submissions (4):

Labcorp Genetics (formerly Invitae), Labcorp
Classification: Uncertain significance for Gorlin syndrome. Last evaluated: 2025-03-09. Review status: criteria provided, single submitter. Criteria: Invitae Variant Classification Sherloc (09022015). Collection method: clinical testing. Allele origin: germline.
Comment: This sequence change replaces leucine, which is neutral and non-polar, with phenylalanine, which is neutral and non-polar, at codon 102 of the PTCH1 protein (p.Leu102Phe). This variant is not present in population databases (gnomAD no frequency). This variant has not been reported in the literature in individuals affected with PTCH1-related conditions. ClinVar contains an entry for this variant (Variation ID: 41658). Invitae Evidence Modeling of protein sequence and biophysical properties (such as structural, functional, and spatial information, amino acid conservation, physicochemical variation, residue mobility, and thermodynamic stability) has been performed for this missense variant. However, the output from this modeling did not meet the statistical confidence thresholds required to predict the impact of this variant on PTCH1 protein function. In summary, the available evidence is currently insufficient to determine the role of this variant in disease. Therefore, it has been classified as a Variant of Uncertain Significance.

GeneDx
Classification: Uncertain significance. Last evaluated: 2024-01-17. Review status: criteria provided, single submitter. Criteria: GeneDx Variant Classification Process June 2021. Collection method: clinical testing. Allele origin: germline. Affected: yes.
Comment: Not observed at significant frequency in large population cohorts (gnomAD); In silico analysis supports that this missense variant has a deleterious effect on protein structure/function; Has not been previously published as pathogenic or benign to our knowledge

Ambry Genetics
Classification: Uncertain significance for Hereditary cancer-predisposing syndrome. Last evaluated: 2022-05-24. Review status: criteria provided, single submitter. Criteria: Ambry Variant Classification Scheme 2023. Collection method: clinical testing. Allele origin: germline.
Comment: The p.L102F variant (also known as c.306G>C), located in coding exon 2 of the PTCH1 gene, results from a G to C substitution at nucleotide position 306. The leucine at codon 102 is replaced by phenylalanine, an amino acid with highly similar properties. This amino acid position is highly conserved in available vertebrate species. In addition, this alteration is predicted to be deleterious by in silico analysis. Since supporting evidence is limited at this time, the clinical significance of this alteration remains unclear.

Biesecker Lab/Clinical Genomics Section, National Institutes of Health
Classification: Uncertain significance. Last evaluated: 2012-07-13. Review status: no assertion criteria provided. Collection method: research. Allele origin: germline. Affected: no. Observed: 1 variant allele. Study: ClinSeq. Not counted in ClinVar's aggregate classification.
ClinVar note: Converted during submission from variant of unknown significance to Uncertain significance.